The following is an entry in ClinVar:

ClinVar aggregate classification (germline): Conflicting classifications of pathogenicity. Review status: criteria provided, conflicting classifications (1 of 4 stars). 4 submissions from 4 submitters: Uncertain significance (1); Likely benign (2). 1 of the submissions does not count toward it. Last evaluated 2025-09-10.

Conditions:
NPHP4-related disorder. Also called: NPHP4-related disorders; NPHP4-related condition. Identifiers: MedGen CN239384.
Nephronophthisis. Also called: Juvenile Nephronophthisis. Identifiers: Orphanet 655, MedGen C0687120, MONDO:0019005, HP:0000090.

Allele frequency attached by ClinVar (database versions not stated): TOPMed below 0.00001.
gnomAD v4.1: 8 of 1,613,752 alleles (0.0005%); highest among the groups gnomAD compares: African/African-American, 0.0053%; no homozygotes.

Submissions (4):

Labcorp Genetics (formerly Invitae), Labcorp
Classification: Likely benign for Nephronophthisis. Last evaluated: 2025-09-10. Review status: criteria provided, single submitter. Criteria: Invitae Variant Classification Sherloc (09022015). Collection method: clinical testing. Allele origin: germline.

Blueprint Genetics
Classification: Likely benign. Last evaluated: 2023-10-13. Review status: criteria provided, single submitter. Criteria: ACMG Guidelines, 2015. Collection method: clinical testing. Allele origin: germline.

Eurofins Ntd Llc (ga)
Classification: Uncertain significance. Last evaluated: 2018-01-23. Review status: criteria provided, single submitter. Criteria: EGL Classification Definitions 2015. Collection method: clinical testing. Allele origin: germline. Observed: 1 variant allele, 1 heterozygote.

PreventionGenetics, part of Exact Sciences
Classification: Likely benign for NPHP4-related condition. Last evaluated: 2022-06-06. Review status: no assertion criteria provided. Collection method: clinical testing. Allele origin: germline. Not counted in ClinVar's aggregate classification.
Comment: This variant is classified as likely benign based on ACMG/AMP sequence variant interpretation guidelines (Richards et al. 2015 PMID: 25741868, with internal and published modifications).

NM_015102.5(NPHP4):c.1257C>T (p.His419=)

Gene: NPHP4 (nephrocystin 4; minus strand). Cytogenetic location: 1p36.31.
Variant type: single nucleotide variant.
Coding change: c.1257C>T on transcript NM_015102.5 (MANE Select); coding-DNA position 1257, C replaced by T.
Protein change: p.His419=; no amino-acid change (histidine 419 retained).
Molecular consequence: synonymous variant. On other transcripts: 5 prime UTR variant (2), non-coding transcript variant (1).
Genome position (GRCh38, 1-based): chr1:5,933,192, G>A on the plus strand (C>T on the coding strand, the complement: NPHP4 is on the minus strand). VCF-style: chr1-5933192-G-A. GRCh37 (hg19) VCF-style: chr1-5993252-G-A.
Other names: c.-110C>T (NM_001291593.2, NM_001291594.2); c.1257C>T (NM_015102.4).
Identifiers: ClinVar variation 595730 (VCV000595730.12), dbSNP rs768393994, ClinGen allele CA554585.